The following is an entry in ClinVar:

NM_000744.7(CHRNA4):c.1160A>G (p.Glu387Gly)

Gene: CHRNA4 (cholinergic receptor nicotinic alpha 4 subunit; minus strand). Cytogenetic location: 20q13.33.
Variant type: single nucleotide variant.
Coding change: c.1160A>G on transcript NM_000744.7 (MANE Select); coding-DNA position 1160, A replaced by G.
Protein change: p.Glu387Gly; replaces glutamic acid 387 with glycine.
Molecular consequence: missense variant. On other transcripts: non-coding transcript variant (1).
Genome position (GRCh38, 1-based): chr20:63,350,251, T>C on the plus strand (A>G on the coding strand, the complement: CHRNA4 is on the minus strand). VCF-style: chr20-63350251-T-C. GRCh37 (hg19) VCF-style: chr20-61981603-T-C.
Other names: p.E387G:GAG>GGG; c.632A>G, p.Glu211Gly (NM_001256573.2); short protein forms E387G, E211G.
Identifiers: ClinVar variation 205024 (VCV000205024.19), dbSNP rs45604738, ClinGen allele CA313567.
Genomic context (GRCh38, chr20:63,350,251, plus strand): 5'-GACGGTGAGGGCGGGTGCAGGCTCTGGGTGCCGCTCGTGGCAGGGGGCTCCCCTTCTGGC[T>C]CGGGCCAGAAGCGCGGGGCACTGGCCATCTTATGCATGGACTCGATGAGCCGCCGGCAAT-3'
Protein context (NP_000735.1, residues 377-397): KMASAPRFWP[Glu387Gly]PEGEPPATSG

ClinVar aggregate classification (germline): Benign/Likely benign. Review status: criteria provided, multiple submitters, no conflicts (2 of 4 stars). 6 submissions from 6 submitters: Benign (1); Likely benign (4). 1 of the submissions does not count toward it. Last evaluated 2026-01-19.

Conditions:
Familial sleep-related hypermotor epilepsy. Also called: Autosomal Dominant Sleep-Related Hypermotor (Hyperkinetic) Epilepsy. Identifiers: Orphanet 98784, MedGen C3696898, MONDO:0000030.
CHRNA4-related disorder. Also called: CHRNA4-related condition.
Inborn genetic diseases. Identifiers: MedGen C0950123, MeSH D030342.

Allele frequency attached by ClinVar (database versions not stated): gnomAD exomes 0.00010 and 0.00018; ExAC 0.00024; ESP Exome Variant Server 0.00031; TOPMed 0.00079; gnomAD 0.00080 and 0.00088; 1000 Genomes Project 0.00100; 1000 Genomes Project 30x 0.00141.
gnomAD v4.1: 281 of 1,609,990 alleles (0.017%); highest among the groups gnomAD compares: African/African-American, 0.27%; no homozygotes.

Submissions (6):

Labcorp Genetics (formerly Invitae), Labcorp
Classification: Likely benign. Last evaluated: 2026-01-19. Review status: criteria provided, single submitter. Criteria: Invitae Variant Classification Sherloc (09022015). Collection method: clinical testing. Allele origin: germline.

Blueprint Genetics
Classification: Likely benign. Last evaluated: 2024-07-05. Review status: criteria provided, single submitter. Criteria: ACMG Guidelines, 2015. Collection method: clinical testing. Allele origin: germline.

GeneDx
Classification: Benign. Last evaluated: 2020-06-24. Review status: criteria provided, single submitter. Criteria: GeneDx Variant Classification Process June 2021. Collection method: clinical testing. Allele origin: germline. Affected: yes.

Ambry Genetics
Classification: Likely benign for Inborn genetic diseases. Last evaluated: 2018-07-25. Review status: criteria provided, single submitter. Criteria: Ambry Variant Classification Scheme 2023. Collection method: clinical testing. Allele origin: germline.

Breakthrough Genomics
Classification: Likely benign. Review status: criteria provided, single submitter. Criteria: ACMG Guidelines, 2015. Collection method: not provided. Allele origin: germline. Inheritance: Autosomal dominant inheritance. Affected: yes.

PreventionGenetics, part of Exact Sciences
Classification: Likely benign for CHRNA4-related condition. Last evaluated: 2019-09-26. Review status: no assertion criteria provided. Collection method: clinical testing. Allele origin: germline. Not counted in ClinVar's aggregate classification.
Comment: This variant is classified as likely benign based on ACMG/AMP sequence variant interpretation guidelines (Richards et al. 2015 PMID: 25741868, with internal and published modifications).